The following is an entry in ClinVar:

NM_001291303.3(FAT4):c.11165C>G (p.Pro3722Arg)

Gene: FAT4 (FAT atypical cadherin 4; plus strand). Cytogenetic location: 4q28.1.
Variant type: single nucleotide variant.
Coding change: c.11165C>G on transcript NM_001291303.3 (MANE Select); coding-DNA position 11165, C replaced by G.
Protein change: p.Pro3722Arg; replaces proline 3722 with arginine.
Molecular consequence: missense variant.
Genome position (GRCh38, 1-based): chr4:125,452,175, C>G. VCF-style: chr4-125452175-C-G. GRCh37 (hg19) VCF-style: chr4-126373330-C-G.
Other names: c.11165C>G, p.Pro3722Arg (NM_001291285.3); c.11159C>G, p.Pro3720Arg (NM_024582.6); short protein forms P3720R, P3722R.
Identifiers: ClinVar variation 1368075 (VCV001368075.6), dbSNP rs2126061781, ClinGen allele CA358161458.

ClinVar aggregate classification (germline): Uncertain significance (1 of 4 stars; one submission).

Submission:

Labcorp Genetics (formerly Invitae), Labcorp
Classification: Uncertain significance. Last evaluated: 2024-10-16. Review status: criteria provided, single submitter. Criteria: Invitae Variant Classification Sherloc (09022015). Collection method: clinical testing. Allele origin: germline.
Comment: This sequence change replaces proline, which is neutral and non-polar, with arginine, which is basic and polar, at codon 3720 of the FAT4 protein (p.Pro3720Arg). This variant is not present in population databases (gnomAD no frequency). This variant has not been reported in the literature in individuals affected with FAT4-related conditions. ClinVar contains an entry for this variant (Variation ID: 1368075). Invitae Evidence Modeling of protein sequence and biophysical properties (such as structural, functional, and spatial information, amino acid conservation, physicochemical variation, residue mobility, and thermodynamic stability) indicates that this missense variant is not expected to disrupt FAT4 protein function with a negative predictive value of 95%. In summary, the available evidence is currently insufficient to determine the role of this variant in disease. Therefore, it has been classified as a Variant of Uncertain Significance.